The following is an entry in ClinVar:

NM_001267550.2(TTN):c.54535A>G (p.Thr18179Ala)

Genes: TTN (titin; minus strand), TTN-AS1 (TTN antisense RNA 1; plus strand). Cytogenetic location: 2q31.2.
Variant type: single nucleotide variant.
Coding change: c.54535A>G on transcript NM_001267550.2 (MANE Select); coding-DNA position 54535, A replaced by G.
Protein change: p.Thr18179Ala; replaces threonine 18179 with alanine.
Molecular consequence: missense variant.
Genome position (GRCh38, 1-based): chr2:178,604,152, T>C on the plus strand (A>G on the coding strand, the complement: TTN is on the minus strand). VCF-style: chr2-178604152-T-C. GRCh37 (hg19) VCF-style: chr2-179468879-T-C.
Other names: c.49612A>G, p.Thr16538Ala (NM_001256850.1); c.27340A>G, p.Thr9114Ala (NM_003319.4); c.46831A>G, p.Thr15611Ala (NM_133378.4); c.27715A>G, p.Thr9239Ala (NM_133432.3); c.27916A>G, p.Thr9306Ala (NM_133437.4); short protein forms T15611A, T16538A, T18179A, T9114A, T9239A, T9306A.
Identifiers: ClinVar variation 4534668 (VCV004534668.6).

ClinVar aggregate classification (germline): Uncertain significance (1 of 4 stars; one submission).

gnomAD v4.1: 3 of 1,612,320 alleles (0.00019%); highest among the groups gnomAD compares: Non-Finnish European, 0.00025%; no homozygotes.

Submission:

CeGaT Center for Human Genetics Tuebingen
Classification: Uncertain significance. Last evaluated: 2025-10-01. Review status: criteria provided, single submitter. Criteria: CeGaT Center For Human Genetics Tuebingen Variant Classification Criteria Version 2. Collection method: clinical testing. Allele origin: germline. Affected: yes. Observed: 1 variant allele.
Comment: TTN: PM2